The following is an entry in ClinVar:

NM_001330260.2(SCN8A):c.3995T>C (p.Leu1332Pro)

Gene: SCN8A (sodium voltage-gated channel alpha subunit 8; plus strand). Cytogenetic location: 12q13.13.
Variant type: single nucleotide variant.
Coding change: c.3995T>C on transcript NM_001330260.2 (MANE Select); coding-DNA position 3995, T replaced by C.
Protein change: p.Leu1332Pro; replaces leucine 1332 with proline.
Molecular consequence: missense variant.
Genome position (GRCh38, 1-based): chr12:51,786,594, T>C. VCF-style: chr12-51786594-T-C. GRCh37 (hg19) VCF-style: chr12-52180378-T-C.
Other names: c.3872T>C, p.Leu1291Pro (NM_001177984.3, NM_001369788.1); c.3995T>C, p.Leu1332Pro (NM_014191.4); short protein forms L1291P, L1332P.
Identifiers: ClinVar variation 1320055 (VCV001320055.10), dbSNP rs2138904112, ClinGen allele CA384904672.

ClinVar aggregate classification (germline): Pathogenic/Likely pathogenic. Review status: criteria provided, multiple submitters, no conflicts (2 of 4 stars). 2 submissions from 2 submitters: Pathogenic (1); Likely pathogenic (1). Last evaluated 2023-03-23.

Conditions:
Early-infantile DEE. Also called: Ohtahara syndrome; Early infantile epileptic encephalopathy with suppression bursts; Early infantile epileptic encephalopathy. Identifiers: Orphanet 1934, MedGen C0393706, MONDO:0800491.
Developmental and epileptic encephalopathy, 13 (DEE13). Also called: Developmental and Epileptic Encephalopathy (SCN8A-DEE); Early infantile epileptic encephalopathy 13; SCN8A-Related Epilepsy. Identifiers: Orphanet 442835, MedGen C3281191, MONDO:0013801, OMIM 614558.

Submissions (2):

Labcorp Genetics (formerly Invitae), Labcorp
Classification: Pathogenic for Early-infantile DEE. Last evaluated: 2023-03-23. Review status: criteria provided, single submitter. Criteria: Invitae Variant Classification Sherloc (09022015). Collection method: clinical testing. Allele origin: germline.
Comment: ClinVar contains an entry for this variant (Variation ID: 1320055). This sequence change replaces leucine, which is neutral and non-polar, with proline, which is neutral and non-polar, at codon 1332 of the SCN8A protein (p.Leu1332Pro). This variant is not present in population databases (gnomAD no frequency). This missense change has been observed in individual(s) with early infantile epileptic encephalopathy (PMID: 32901917). In at least one individual the variant was observed to be de novo. Advanced modeling of protein sequence and biophysical properties (such as structural, functional, and spatial information, amino acid conservation, physicochemical variation, residue mobility, and thermodynamic stability) performed at Invitae indicates that this missense variant is expected to disrupt SCN8A protein function. This variant disrupts the p.Leu1332 amino acid residue in SCN8A. Other variant(s) that disrupt this residue have been observed in individuals with SCN8A-related conditions (PMID: 27875746), which suggests that this may be a clinically significant amino acid residue. For these reasons, this variant has been classified as Pathogenic.

3billion
Classification: Likely pathogenic for Developmental and epileptic encephalopathy, 13. Last evaluated: 2021-10-02. Review status: criteria provided, single submitter. Criteria: ACMG Guidelines, 2015. Collection method: clinical testing. Allele origin: germline. Affected: yes. Observed: 1 heterozygote.
Comment: The missense variant is located in a mutational hot spot and/or well-established functional domain in which established pathogenic variants have been reported (PM1). It is not observed in the gnomAD v2.1.1 dataset (PM2). The variant was observed as assumed (i.e. paternity and maternity not confirmed) de novoo (3billion dataset, PM6). In silico tool predictions suggest damaging effect of the variant on gene or gene product (REVEL: 0.966, 3Cnet: 0.965, PP3). Therefore, this variant is classified as likely pathogenic according to the recommendation of ACMG/AMP guideline

Literature cited by the submitters: PubMed 32901917 (cited by Labcorp Genetics (formerly Invitae), Labcorp); PubMed 27875746 (cited by Labcorp Genetics (formerly Invitae), Labcorp).